The following is an entry in ClinVar:

NM_016123.4(IRAK4):c.667A>G (p.Thr223Ala)

Gene: IRAK4 (interleukin 1 receptor associated kinase 4; plus strand). Cytogenetic location: 12q12.
Variant type: single nucleotide variant.
Coding change: c.667A>G on transcript NM_016123.4 (MANE Select); coding-DNA position 667, A replaced by G.
Protein change: p.Thr223Ala; replaces threonine 223 with alanine.
Molecular consequence: missense variant.
Genome position (GRCh38, 1-based): chr12:43,773,980, A>G. VCF-style: chr12-43773980-A-G. GRCh37 (hg19) VCF-style: chr12-44167783-A-G.
Other names: c.667A>G, p.Thr223Ala (NM_001114182.3, NM_001351345.2); c.295A>G, p.Thr99Ala (NM_001145256.2, NM_001145257.2, NM_001145258.2 and 5 more transcripts); c.58A>G, p.Thr20Ala (NM_001351343.2, NM_001351344.2); short protein forms T223A, T20A, T99A.
Identifiers: ClinVar variation 2100340 (VCV002100340.4), dbSNP rs1317889507, ClinGen allele CA384471922.

ClinVar aggregate classification (germline): Uncertain significance. Review status: criteria provided, multiple submitters, no conflicts (2 of 4 stars). 2 submissions from 2 submitters: Uncertain significance (2). Last evaluated 2022-02-20.

Conditions:
Immunodeficiency 67. Also called: Immunodeficiency due to interleukin-1 receptor-associated kinase-4 deficiency. Identifiers: Orphanet 70592, MedGen C1843256, MONDO:0011888, OMIM 607676.

Allele frequency attached by ClinVar (database versions not stated): TOPMed below 0.00001; gnomAD 0.00001; gnomAD exomes 0.00001.
gnomAD v4.1: 12 of 1,604,240 alleles (0.00075%); highest among the groups gnomAD compares: Non-Finnish European, 0.00094%; no homozygotes.

Submissions (2):

Labcorp Genetics (formerly Invitae), Labcorp
Classification: Uncertain significance for Immunodeficiency 67. Last evaluated: 2022-02-20. Review status: criteria provided, single submitter. Criteria: Invitae Variant Classification Sherloc (09022015). Collection method: clinical testing. Allele origin: germline.
Comment: This sequence change replaces threonine, which is neutral and polar, with alanine, which is neutral and non-polar, at codon 223 of the IRAK4 protein (p.Thr223Ala). This variant is not present in population databases (gnomAD no frequency). This variant has not been reported in the literature in individuals affected with IRAK4-related conditions. Algorithms developed to predict the effect of missense changes on protein structure and function (SIFT, PolyPhen-2, Align-GVGD) all suggest that this variant is likely to be tolerated. In summary, the available evidence is currently insufficient to determine the role of this variant in disease. Therefore, it has been classified as a Variant of Uncertain Significance.

Blueprint Genetics
Classification: Uncertain significance. Last evaluated: 2019-12-30. Review status: criteria provided, single submitter. Criteria: ACMG Guidelines, 2015. Collection method: clinical testing. Allele origin: germline.